The following is an entry in ClinVar:

ClinVar aggregate classification (germline): Uncertain significance. Review status: criteria provided, multiple submitters, no conflicts (2 of 4 stars). 5 submissions from 5 submitters: Uncertain significance (5). Last evaluated 2025-12-13.

Conditions:
Familial adenomatous polyposis 1 (FAP1). Also called: FAMILIAL ADENOMATOUS POLYPOSIS 1, ATTENUATED; POLYPOSIS, ADENOMATOUS INTESTINAL. Identifiers: MedGen C2713442, MONDO:0021056, OMIM 175100. Disease mechanism: loss of function.
APC-Associated Polyposis Disorders.
Hereditary cancer-predisposing syndrome. Also called: Neoplastic Syndromes, Hereditary; Tumor predisposition; Hereditary Cancer Syndrome; Hereditary neoplastic syndrome. Identifiers: Orphanet 140162, MedGen C0027672, MeSH D009386, MONDO:0015356.

Submissions (5):

Ambry Genetics
Classification: Uncertain significance for Hereditary cancer-predisposing syndrome. Last evaluated: 2025-12-13. Review status: criteria provided, single submitter. Criteria: Ambry Variant Classification Scheme 2023. Collection method: clinical testing. Allele origin: germline.
Comment: The p.S2330F variant (also known as c.6989C>T), located in coding exon 15 of the APC gene, results from a C to T substitution at nucleotide position 6989. The serine at codon 2330 is replaced by phenylalanine, an amino acid with highly dissimilar properties. This amino acid position is highly conserved in available vertebrate species. In addition, in silico predictors for this gene do not accurately predict pathogenicity. Since supporting evidence is limited at this time, the clinical significance of this alteration remains unclear.

Labcorp Genetics (formerly Invitae), Labcorp
Classification: Uncertain significance for Familial adenomatous polyposis 1. Last evaluated: 2025-01-23. Review status: criteria provided, single submitter. Criteria: Invitae Variant Classification Sherloc (09022015). Collection method: clinical testing. Allele origin: germline.
Comment: This sequence change replaces serine, which is neutral and polar, with phenylalanine, which is neutral and non-polar, at codon 2330 of the APC protein (p.Ser2330Phe). This variant is not present in population databases (gnomAD no frequency). This variant has not been reported in the literature in individuals affected with APC-related conditions. ClinVar contains an entry for this variant (Variation ID: 485159). Invitae Evidence Modeling of protein sequence and biophysical properties (such as structural, functional, and spatial information, amino acid conservation, physicochemical variation, residue mobility, and thermodynamic stability) indicates that this missense variant is not expected to disrupt APC protein function with a negative predictive value of 95%. In summary, the available evidence is currently insufficient to determine the role of this variant in disease. Therefore, it has been classified as a Variant of Uncertain Significance.

Baylor Genetics
Classification: Uncertain significance for Familial adenomatous polyposis 1. Last evaluated: 2023-07-04. Review status: criteria provided, single submitter. Criteria: ACMG Guidelines, 2015. Collection method: clinical testing. Allele origin: unknown.

Color Diagnostics, LLC DBA Color Health
Classification: Uncertain significance for Hereditary cancer-predisposing syndrome. Last evaluated: 2020-09-08. Review status: criteria provided, single submitter. Criteria: ACMG Guidelines, 2015. Collection method: clinical testing. Allele origin: germline.
Comment: This missense variant replaces serine with phenylalanine at codon 2330 of the APC protein. Computational prediction is inconclusive regarding the impact of this variant on protein structure and function (internally defined REVEL score threshold 0.5 < inconclusive < 0.7, PMID: 27666373). To our knowledge, functional studies have not been reported for this variant. This variant has not been reported in individuals affected with hereditary cancer in the literature. This variant has not been identified in the general population by the Genome Aggregation Database (gnomAD). The available evidence is insufficient to determine the role of this variant in disease conclusively. Therefore, this variant is classified as a Variant of Uncertain Significance.

Illumina Laboratory Services, Illumina
Classification: Uncertain significance for APC-Associated Polyposis Disorders. Last evaluated: 2018-01-13. Review status: criteria provided, single submitter. Criteria: ICSL Variant Classification Criteria 13 December 2019. Collection method: clinical testing. Allele origin: germline.

NM_000038.6(APC):c.6989C>T (p.Ser2330Phe)

Gene: APC (APC regulator of Wnt signaling pathway; plus strand). Cytogenetic location: 5q22.2.
Variant type: single nucleotide variant.
Coding change: c.6989C>T on transcript NM_000038.6 (MANE Select); coding-DNA position 6989, C replaced by T.
Protein change: p.Ser2330Phe; replaces serine 2330 with phenylalanine.
Molecular consequence: missense variant.
Genome position (GRCh38, 1-based): chr5:112,842,583, C>T. VCF-style: chr5-112842583-C-T. GRCh37 (hg19) VCF-style: chr5-112178280-C-T.
Other names: c.7019C>T, p.Ser2340Phe (NM_001354897.2); c.6686C>T, p.Ser2229Phe (NM_001354903.2); c.6914C>T, p.Ser2305Phe (NM_001354898.2); c.6905C>T, p.Ser2302Phe (NM_001354899.2); c.6866C>T, p.Ser2289Phe (NM_001354900.2); c.6812C>T, p.Ser2271Phe (NM_001354901.2); c.6716C>T, p.Ser2239Phe (NM_001354902.2); c.6989C>T, p.Ser2330Phe (NM_001127510.3, NM_001354895.2); and 5 more; short protein forms S2312F, S2330F, S2047F, S2348F, S2170F, S2204F, S2271F, S2289F.
Identifiers: ClinVar variation 485159 (VCV000485159.20), dbSNP rs1554087891, ClinGen allele CA16036569.